The following is an entry in ClinVar:

ClinVar aggregate classification (germline): Uncertain significance. Review status: criteria provided, multiple submitters, no conflicts (2 of 4 stars). 2 submissions from 2 submitters: Uncertain significance (2). Last evaluated 2025-03-28.

Conditions:
Baller-Gerold syndrome (BGS). Also called: CRANIOSYNOSTOSIS WITH RADIAL DEFECTS. Identifiers: Orphanet 1225, MedGen C0265308, MONDO:0009039, OMIM 218600.
Inborn genetic diseases. Identifiers: MedGen C0950123, MeSH D030342.

Allele frequency attached by ClinVar (database versions not stated): gnomAD exomes below 0.00001; TOPMed below 0.00001; ExAC 0.00001; gnomAD 0.00001.
gnomAD v4.1: 1 of 1,612,614 alleles (0.000062%); highest among the groups gnomAD compares: Non-Finnish European, 0.000085%; no homozygotes.

Submissions (2):

Ambry Genetics
Classification: Uncertain significance for Inborn genetic diseases. Last evaluated: 2025-03-28. Review status: criteria provided, single submitter. Criteria: Ambry Variant Classification Scheme 2023. Collection method: clinical testing. Allele origin: germline.
Comment: The p.N352S variant (also known as c.1055A>G), located in coding exon 5 of the RECQL4 gene, results from an A to G substitution at nucleotide position 1055. The asparagine at codon 352 is replaced by serine, an amino acid with highly similar properties. This amino acid position is conserved. In addition, this alteration is predicted to be tolerated by in silico analysis. Based on the available evidence, the clinical significance of this variant remains unclear.

Labcorp Genetics (formerly Invitae), Labcorp
Classification: Uncertain significance for Baller-Gerold syndrome. Last evaluated: 2024-02-11. Review status: criteria provided, single submitter. Criteria: Invitae Variant Classification Sherloc (09022015). Collection method: clinical testing. Allele origin: germline.
Comment: This sequence change replaces asparagine, which is neutral and polar, with serine, which is neutral and polar, at codon 352 of the RECQL4 protein (p.Asn352Ser). This variant is present in population databases (rs761136493, gnomAD 0.0009%). This variant has not been reported in the literature in individuals affected with RECQL4-related conditions. ClinVar contains an entry for this variant (Variation ID: 951407). Advanced modeling of protein sequence and biophysical properties (such as structural, functional, and spatial information, amino acid conservation, physicochemical variation, residue mobility, and thermodynamic stability) performed at Invitae indicates that this missense variant is expected to disrupt RECQL4 protein function with a positive predictive value of 80%. In summary, the available evidence is currently insufficient to determine the role of this variant in disease. Therefore, it has been classified as a Variant of Uncertain Significance.

NM_004260.4(RECQL4):c.1055A>G (p.Asn352Ser)

Gene: RECQL4 (RecQ like helicase 4; minus strand). Cytogenetic location: 8q24.3.
Variant type: single nucleotide variant.
Coding change: c.1055A>G on transcript NM_004260.4 (MANE Select); coding-DNA position 1055, A replaced by G.
Protein change: p.Asn352Ser; replaces asparagine 352 with serine.
Molecular consequence: missense variant.
Genome position (GRCh38, 1-based): chr8:144,516,064, T>C on the plus strand (A>G on the coding strand, the complement: RECQL4 is on the minus strand). VCF-style: chr8-144516064-T-C. GRCh37 (hg19) VCF-style: chr8-145741448-T-C.
Other names: short protein forms N352S.
Identifiers: ClinVar variation 951407 (VCV000951407.7), dbSNP rs761136493, ClinGen allele CA4949095.
Genomic context (GRCh38, chr8:144,516,064, plus strand): 5'-CTGCTACGGAGTGCCCGGCCCCGCACGTAGTGTTTCTGCTTCATGTTGAGCCGTACGTAA[T>C]TGCCCCTGTCATGGCGGGCCAGCCGAGGGAAGATGTGCAGGGGGGCTGTGCCCTCAGCCT-3'
Protein context (NP_004251.4, residues 342-362): FPRLARHDRG[Asn352Ser]YVRLNMKQKH